The following is an entry in ClinVar:

NM_001735.3(C5):c.797A>G (p.Tyr266Cys)

Gene: C5 (complement C5; minus strand). Cytogenetic location: 9q33.2.
Variant type: single nucleotide variant.
Coding change: c.797A>G on transcript NM_001735.3 (MANE Select); coding-DNA position 797, A replaced by G.
Protein change: p.Tyr266Cys; replaces tyrosine 266 with cysteine.
Molecular consequence: missense variant.
Genome position (GRCh38, 1-based): chr9:121,027,236, T>C on the plus strand (A>G on the coding strand, the complement: C5 is on the minus strand). VCF-style: chr9-121027236-T-C. GRCh37 (hg19) VCF-style: chr9-123789514-T-C.
Other names: c.815A>G, p.Tyr272Cys (NM_001317163.2); c.797A>G, p.Tyr266Cys (NM_001317164.2); short protein forms Y266C, Y272C.
Identifiers: ClinVar variation 2417296 (VCV002417296.3), dbSNP rs763190153, ClinGen allele CA5218271.

ClinVar aggregate classification (germline): Uncertain significance (1 of 4 stars; one submission).

Allele frequency attached by ClinVar (database versions not stated): TOPMed 0.00001; gnomAD exomes 0.00002; gnomAD 0.00003; ExAC 0.00004.
gnomAD v4.1: 34 of 1,598,646 alleles (0.0021%); highest among the groups gnomAD compares: Non-Finnish European, 0.0027%; no homozygotes.

Submission:

Labcorp Genetics (formerly Invitae), Labcorp
Classification: Uncertain significance. Last evaluated: 2022-07-14. Review status: criteria provided, single submitter. Criteria: Invitae Variant Classification Sherloc (09022015). Collection method: clinical testing. Allele origin: germline.
Comment: This sequence change replaces tyrosine, which is neutral and polar, with cysteine, which is neutral and slightly polar, at codon 266 of the C5 protein (p.Tyr266Cys). This variant is present in population databases (rs763190153, gnomAD 0.006%). This variant has not been reported in the literature in individuals affected with C5-related conditions. Algorithms developed to predict the effect of missense changes on protein structure and function are either unavailable or do not agree on the potential impact of this missense change (SIFT: "Deleterious"; PolyPhen-2: "Possibly Damaging"; Align-GVGD: "Class C0"). In summary, the available evidence is currently insufficient to determine the role of this variant in disease. Therefore, it has been classified as a Variant of Uncertain Significance.